The following is an entry in ClinVar:

NM_016955.4(SEPSECS):c.903del (p.Phe302fs)

Gene: SEPSECS (Sep (O-phosphoserine) tRNA:Sec (selenocysteine) tRNA synthase; minus strand). Cytogenetic location: 4p15.2.
Variant type: Deletion.
Coding change: c.903del on transcript NM_016955.4 (MANE Select); coding-DNA position 903, one base deleted (A; older notation c.903delA).
Protein change: p.Phe302fs; shifts the reading frame from phenylalanine 302.
Molecular consequence: frameshift variant.
Genome position (GRCh38, 1-based): chr4:25,145,035, T deleted on the plus strand (A on the coding strand, the reverse complement: SEPSECS is on the minus strand). VCF-style (leftmost placement, unchanged base first): chr4-25145034-AT-A. GRCh37 (hg19) VCF-style: chr4-25146656-AT-A.
Other names: short protein forms F302fs.
Identifiers: ClinVar variation 1413924 (VCV001413924.6), dbSNP rs2109022168, ClinGen allele CA2573137658.

ClinVar aggregate classification (germline): Pathogenic (1 of 4 stars; one submission).

Submission:

Labcorp Genetics (formerly Invitae), Labcorp
Classification: Pathogenic. Last evaluated: 2020-11-23. Review status: criteria provided, single submitter. Criteria: Invitae Variant Classification Sherloc (09022015). Collection method: clinical testing. Allele origin: germline.
Comment: For these reasons, this variant has been classified as Pathogenic. This variant has not been reported in the literature in individuals with SEPSECS-related conditions. This variant is not present in population databases (ExAC no frequency). This sequence change creates a premature translational stop signal (p.Phe302Serfs*19) in the SEPSECS gene. It is expected to result in an absent or disrupted protein product. Loss-of-function variants in SEPSECS are known to be pathogenic (PMID: 25558065, 25590979, 26115735).

Literature cited by the submitters: PubMed 25558065; PubMed 25590979; PubMed 26115735.